The following is an entry in ClinVar:

ClinVar aggregate classification (germline): Uncertain significance. Review status: criteria provided, multiple submitters, no conflicts (2 of 4 stars). 2 submissions from 2 submitters: Uncertain significance (2). Last evaluated 2025-08-01.

Conditions:
Rubinstein-Taybi syndrome due to CREBBP mutations (RSTS1). Also called: RUBINSTEIN-TAYBI SYNDROME 1, INCOMPLETE; BROAD THUMB-HALLUX SYNDROME; RUBINSTEIN SYNDROME; CREBBP-Related Rubinstein-Taybi Syndrome; BROAD THUMBS AND GREAT TOES, CHARACTERISTIC FACIES, AND IMPAIRED INTELLECTUAL DEVELOPMENT; Rubinstein-Taybi syndrome 1. Identifiers: Orphanet 353277, Orphanet 783, MedGen C4551859, MONDO:0008393, OMIM 180849.

Allele frequency attached by ClinVar (database versions not stated): gnomAD exomes below 0.00001; gnomAD 0.00001.

Submissions (2):

CeGaT Center for Human Genetics Tuebingen
Classification: Uncertain significance. Last evaluated: 2025-08-01. Review status: criteria provided, single submitter. Criteria: CeGaT Center For Human Genetics Tuebingen Variant Classification Criteria Version 2. Collection method: clinical testing. Allele origin: germline. Affected: yes. Observed: 1 variant allele.
Comment: CREBBP: PP2

Neuberg Centre For Genomic Medicine, NCGM
Classification: Uncertain significance for Rubinstein-Taybi syndrome due to CREBBP mutations. Review status: criteria provided, single submitter. Criteria: ACMG Guidelines, 2015. Collection method: clinical testing. Allele origin: germline. Inheritance: Autosomal dominant inheritance. Affected: yes.
Comment: The missense variant c.1655C>T (p.Pro552Leu) in CREBBP gene has not been reported previously as a pathogenic variant nor as a benign variant, to our knowledge. The p.Pro552Leu variant is reported with allele frequency 0.0004% in gnomAD exomes and is not reported in 1000 Genomes. The amino acid Pro at position 552 is changed to a Leu changing protein sequence and it might alter its composition and physico-chemical properties. The amino acid change p.Pro552Leu in CREBBP is predicted as conserved by GERP++ and PhyloP across 100 vertebrates. For these reasons, this variant has been classified as Uncertain Significance.

NM_004380.3(CREBBP):c.1655C>T (p.Pro552Leu)

Gene: CREBBP (CREB binding lysine acetyltransferase; minus strand). Cytogenetic location: 16p13.3.
Variant type: single nucleotide variant.
Coding change: c.1655C>T on transcript NM_004380.3 (MANE Select); coding-DNA position 1655, C replaced by T.
Protein change: p.Pro552Leu; replaces proline 552 with leucine.
Molecular consequence: missense variant.
Genome position (GRCh38, 1-based): chr16:3,781,225, G>A on the plus strand (C>T on the coding strand, the complement: CREBBP is on the minus strand). VCF-style: chr16-3781225-G-A. GRCh37 (hg19) VCF-style: chr16-3831226-G-A.
Other names: c.1541C>T, p.Pro514Leu (NM_001079846.1); short protein forms P552L, P514L.
Identifiers: ClinVar variation 2584926 (VCV002584926.9), dbSNP rs1398406959, ClinGen allele CA394556813.